The following is an entry in ClinVar:

ClinVar aggregate classification (germline): Pathogenic (1 of 4 stars; one submission).

Conditions:
Mucopolysaccharidosis, MPS-II (MPS2). Also called: Sulfoiduronate sulfatase deficiency; SIDS deficiency; Mucopolysaccharidosis type 2; Mucopolysaccharidosis with skin involvement; IDS deficiency; IDURONATE 2-SULFATASE DEFICIENCY. Identifiers: Orphanet 580, Orphanet 79388, MedGen C0026705, MONDO:0010674, OMIM 309900.

Submission:

Labcorp Genetics (formerly Invitae), Labcorp
Classification: Pathogenic for Mucopolysaccharidosis, MPS-II. Last evaluated: 2020-04-01. Review status: criteria provided, single submitter. Criteria: Invitae Variant Classification Sherloc (09022015). Collection method: clinical testing. Allele origin: germline.
Comment: Loss-of-function variants in IDS are known to be pathogenic (PMID: 8940265, 9875019). For these reasons, this variant has been classified as Pathogenic. This variant has not been reported in the literature in individuals with IDS-related conditions. This variant is not present in population databases (ExAC no frequency). This sequence change creates a premature translational stop signal (p.Asp198Glufs*5) in the IDS gene. It is expected to result in an absent or disrupted protein product.

Literature cited by the submitters: PubMed 8940265; PubMed 9875019.

NM_000202.8(IDS):c.594_595del (p.Asp198fs)

Genes: IDS (iduronate 2-sulfatase; minus strand), LOC106050102 (IDS recombination region; plus strand). Cytogenetic location: Xq28.
Variant type: Deletion.
Coding change: c.594_595del on transcript NM_000202.8 (MANE Select); coding-DNA positions 594 to 595, 2 bases deleted (CA; older notation c.594_595delCA).
Protein change: p.Asp198fs; shifts the reading frame from aspartic acid 198.
Molecular consequence: frameshift variant. On other transcripts: non-coding transcript variant (1).
Genome position (GRCh38, 1-based): chrX:149,498,220-149,498,221, TG deleted on the plus strand (CA on the coding strand, the reverse complement: IDS is on the minus strand); deleting any 2 consecutive bases within chrX:149,498,220-149,498,222 gives the same sequence; the c. name uses the placement nearest the transcript's 3' end. VCF-style (leftmost placement, unchanged base first): chrX-149498219-TTG-T. GRCh37 (hg19) VCF-style: chrX-148579750-TTG-T.
Other names: c.324_325del, p.Asp108fs (NM_001166550.4); c.594_595del, p.Asp198fs (NM_006123.5); short protein forms D108fs, D198fs.
Identifiers: ClinVar variation 1072897 (VCV001072897.7), dbSNP rs2124046923, ClinGen allele CA2499226422.